The following is an entry in ClinVar:

ClinVar aggregate classification (germline): Uncertain significance (0 of 4 stars; one submission).

Conditions:
SYN1-related disorder. Also called: SYN1-related condition; SYN1-Related Disorders.

gnomAD v4.1: 2 of 1,104,409 alleles (0.00018%); highest among the groups gnomAD compares: Non-Finnish European, 0.00024%; no homozygotes.

Submission:

PreventionGenetics, part of Exact Sciences
Classification: Uncertain significance for SYN1-related condition. Last evaluated: 2024-04-30. Review status: no assertion criteria provided. Collection method: clinical testing. Allele origin: germline.
Comment: The SYN1 c.1705G>A variant is predicted to result in the amino acid substitution p.Val569Ile. To our knowledge, this variant has not been reported in the literature or in a large population database, indicating this variant is rare. At this time, the clinical significance of this variant is uncertain due to the absence of conclusive functional and genetic evidence.

NM_006950.3(SYN1):c.1705G>A (p.Val569Ile)

Gene: SYN1 (synapsin I; minus strand). Cytogenetic location: Xp11.3.
Variant type: single nucleotide variant.
Coding change: c.1705G>A on transcript NM_006950.3 (MANE Select); coding-DNA position 1705, G replaced by A.
Protein change: p.Val569Ile; replaces valine 569 with isoleucine.
Molecular consequence: missense variant.
Genome position (GRCh38, 1-based): chrX:47,574,279, C>T on the plus strand (G>A on the coding strand, the complement: SYN1 is on the minus strand). VCF-style: chrX-47574279-C-T. GRCh37 (hg19) VCF-style: chrX-47433678-C-T.
Other names: c.1705G>A, p.Val569Ile (NM_133499.2); short protein forms V569I.
Identifiers: ClinVar variation 3346545 (VCV003346545.1).
Genomic context (GRCh38, chrX:47,574,279, plus strand): 5'-CCTGGCGCTGCTGCCCGCCCGGTGGGGCCCCAGAGGCCTTTGGCGGAGCCGGGCCAGAGA[C>T]GGATGTCTGACGGGTAGCCTGTGGGGGGCCCGCCTGGCGCTGGGGAGACGGAGAGGCGGG-3'
Protein context (NP_008881.2, residues 559-579): GPPQATRQTS[Val569Ile]SGPAPPKASG